The following is an entry in ClinVar:

NM_001845.6(COL4A1):c.2243C>T (p.Pro748Leu)

Gene: COL4A1 (collagen type IV alpha 1 chain; minus strand). Cytogenetic location: 13q34.
Variant type: single nucleotide variant.
Coding change: c.2243C>T on transcript NM_001845.6 (MANE Select); coding-DNA position 2243, C replaced by T.
Protein change: p.Pro748Leu; replaces proline 748 with leucine.
Molecular consequence: missense variant.
Genome position (GRCh38, 1-based): chr13:110,179,372, G>A on the plus strand (C>T on the coding strand, the complement: COL4A1 is on the minus strand). VCF-style: chr13-110179372-G-A. GRCh37 (hg19) VCF-style: chr13-110831719-G-A.
Other names: short protein forms P748L.
Identifiers: ClinVar variation 4746045 (VCV004746045.1).

ClinVar aggregate classification (germline): Uncertain significance (1 of 4 stars; one submission).

gnomAD v4.1: 1 of 1,613,968 alleles (0.000062%); highest among the groups gnomAD compares: African/African-American, 0.0013%; no homozygotes.

Submission:

Labcorp Genetics (formerly Invitae), Labcorp
Classification: Uncertain significance. Last evaluated: 2025-07-09. Review status: criteria provided, single submitter. Criteria: Invitae Variant Classification Sherloc (09022015). Collection method: clinical testing. Allele origin: germline.
Comment: This sequence change replaces proline, which is neutral and non-polar, with leucine, which is neutral and non-polar, at codon 748 of the COL4A1 protein (p.Pro748Leu). This variant is not present in population databases (gnomAD no frequency). This variant has not been reported in the literature in individuals affected with COL4A1-related conditions. Invitae Evidence Modeling of protein sequence and biophysical properties (such as structural, functional, and spatial information, amino acid conservation, physicochemical variation, residue mobility, and thermodynamic stability) indicates that this missense variant is not expected to disrupt COL4A1 protein function with a negative predictive value of 95%. In summary, the available evidence is currently insufficient to determine the role of this variant in disease. Therefore, it has been classified as a Variant of Uncertain Significance.